The following is an entry in ClinVar:

NM_000384.3(APOB):c.11465del (p.Val3822fs)

Gene: APOB (apolipoprotein B; minus strand). Cytogenetic location: 2p24.1.
Variant type: Deletion.
Coding change: c.11465del on transcript NM_000384.3 (MANE Select); coding-DNA position 11465, one base deleted (T; older notation c.11465delT).
Protein change: p.Val3822fs; shifts the reading frame from valine 3822.
Molecular consequence: frameshift variant.
Genome position (GRCh38, 1-based): chr2:21,005,403, A deleted on the plus strand (T on the coding strand, the reverse complement: APOB is on the minus strand). VCF-style (leftmost placement, unchanged base first): chr2-21005402-CA-C. GRCh37 (hg19) VCF-style: chr2-21228274-CA-C.
Other names: short protein forms V3822fs.
Identifiers: ClinVar variation 1432825 (VCV001432825.6), dbSNP rs2103350639, ClinGen allele CA2573134387.
Genomic context (GRCh38, chr2:21,005,402, plus strand): 5'-TGCATTTAGATCCAAAGCAGCAATGCCATCTGAAACACTTTTTGGAAGCGTGAACTGGGA[CA>C]CAGTTAACTGAGATTCAGGCACGGTTATCTCAAAAAAGGGAATCAAGGAGTCTTCTGGTT-3'

ClinVar aggregate classification (germline): Pathogenic (1 of 4 stars; one submission).

Conditions:
Familial hypobetalipoproteinemia 1. Also called: APOB-Related Familial Hypobetalipoproteinemia; Hypobetalipoproteinemia, normotriglyceridemic; Acanthocytosis with hypobetalipoproteinemia. Identifiers: MedGen C4551990, MONDO:0014252, OMIM 615558.
Hypercholesterolemia, autosomal dominant, type B (FHCL2). Also called: Familial Hypercholesterolemia Type B; APOLIPOPROTEIN B-100, FAMILIAL DEFECTIVE; APOLIPOPROTEIN B-100, FAMILIAL LIGAND-DEFECTIVE; HYPERCHOLESTEROLEMIA, FAMILIAL, DUE TO LIGAND-DEFECTIVE APOLIPOPROTEIN B; Familial hypercholesterolemia 2; Hyperlipoproteinemia Type IIb. Identifiers: MedGen C1704417, MONDO:0007751, OMIM 144010.

Submission:

Labcorp Genetics (formerly Invitae), Labcorp
Classification: Pathogenic for Familial hypobetalipoproteinemia 1; Hypercholesterolemia, autosomal dominant, type B. Last evaluated: 2021-01-07. Review status: criteria provided, single submitter. Criteria: Invitae Variant Classification Sherloc (09022015). Collection method: clinical testing. Allele origin: germline.
Comment: For these reasons, this variant has been classified as Pathogenic. This variant has not been reported in the literature in individuals with APOB-related conditions. This variant is not present in population databases (ExAC no frequency). This sequence change creates a premature translational stop signal (p.Val3822Glyfs*19) in the APOB gene. It is expected to result in an absent or disrupted protein product. Loss-of-function variants in APOB are known to be pathogenic (PMID: 20032471).

Literature cited by the submitters: PubMed 20032471.